The following is an entry in ClinVar:

ClinVar aggregate classification (germline): Uncertain significance. Review status: criteria provided, multiple submitters, no conflicts (2 of 4 stars). 2 submissions from 2 submitters: Uncertain significance (2). Last evaluated 2024-08-30.

Submissions (2):

Ambry Genetics
Classification: Uncertain significance. Last evaluated: 2024-08-30. Review status: criteria provided, single submitter. Criteria: Ambry Variant Classification Scheme 2023. Collection method: clinical testing. Allele origin: germline.
Comment: The p.G198R variant (also known as c.592G>A), located in coding exon 1 of the TERF2IP gene, results from a G to A substitution at nucleotide position 592. The glycine at codon 198 is replaced by arginine, an amino acid with dissimilar properties. This amino acid position is conserved. In addition, this alteration is predicted to be tolerated by in silico analysis. Based on the available evidence, the clinical significance of this variant remains unclear.

Labcorp Genetics (formerly Invitae), Labcorp
Classification: Uncertain significance. Last evaluated: 2022-03-18. Review status: criteria provided, single submitter. Criteria: Invitae Variant Classification Sherloc (09022015). Collection method: clinical testing. Allele origin: germline.
Comment: In summary, the available evidence is currently insufficient to determine the role of this variant in disease. Therefore, it has been classified as a Variant of Uncertain Significance. This sequence change replaces glycine, which is neutral and non-polar, with arginine, which is basic and polar, at codon 198 of the TERF2IP protein (p.Gly198Arg). This variant is not present in population databases (gnomAD no frequency). This variant has not been reported in the literature in individuals affected with TERF2IP-related conditions. Algorithms developed to predict the effect of missense changes on protein structure and function are either unavailable or do not agree on the potential impact of this missense change (SIFT: "Tolerated"; PolyPhen-2: "Possibly Damaging"; Align-GVGD: "Class C0").

NM_018975.4(TERF2IP):c.592G>A (p.Gly198Arg)

Gene: TERF2IP (TERF2 interacting protein; plus strand). Cytogenetic location: 16q23.1.
Variant type: single nucleotide variant.
Coding change: c.592G>A on transcript NM_018975.4 (MANE Select); coding-DNA position 592, G replaced by A.
Protein change: p.Gly198Arg; replaces glycine 198 with arginine.
Molecular consequence: missense variant. On other transcripts: non-coding transcript variant (1).
Genome position (GRCh38, 1-based): chr16:75,648,474, G>A. VCF-style: chr16-75648474-G-A. GRCh37 (hg19) VCF-style: chr16-75682372-G-A.
Other names: c.592G>A (NM_018975.3); short protein forms G198R.
Identifiers: ClinVar variation 2113851 (VCV002113851.5), dbSNP rs2507075048, ClinGen allele CA396818238.